The following is an entry in ClinVar:

NM_001035.3(RYR2):c.10030G>T (p.Ala3344Ser)

Gene: RYR2 (ryanodine receptor 2; plus strand). Cytogenetic location: 1q43.
Variant type: single nucleotide variant.
Coding change: c.10030G>T on transcript NM_001035.3 (MANE Select); coding-DNA position 10030, G replaced by T.
Protein change: p.Ala3344Ser; replaces alanine 3344 with serine.
Molecular consequence: missense variant.
Genome position (GRCh38, 1-based): chr1:237,708,986, G>T. VCF-style: chr1-237708986-G-T. GRCh37 (hg19) VCF-style: chr1-237872286-G-T.
Other names: short protein forms A3344S.
Identifiers: ClinVar variation 3385826 (VCV003385826.1).

ClinVar aggregate classification (germline): Uncertain significance (1 of 4 stars; one submission).

Conditions:
Catecholaminergic polymorphic ventricular tachycardia (CVPT). Also called: Catecholamine-induced polymorphic ventricular tachycardia. Identifiers: Orphanet 3286, MedGen C5574922, MONDO:0017990.

gnomAD v4.1: 1 of 1,613,776 alleles (0.000062%); highest among the groups gnomAD compares: Admixed American, 0.0017%; no homozygotes.

Submission:

All of Us Research Program, National Institutes of Health
Classification: Uncertain significance for Catecholaminergic polymorphic ventricular tachycardia. Last evaluated: 2024-02-22. Review status: criteria provided, single submitter. Criteria: ACMG Guidelines, 2015. Collection method: clinical testing. Allele origin: germline. Inheritance: Autosomal dominant inheritance. Observed: 1 variant allele, 1 heterozygote.
Comment: This missense variant replaces alanine with serine at codon 3344 of the RYR2 protein. Computational prediction suggests that this variant may not impact protein structure and function (internally defined REVEL score threshold <= 0.5, PMID: 27666373). To our knowledge, functional studies have not been reported for this variant. This variant has not been reported in individuals affected with RYR2-related disorders in the literature. This variant has been identified in 1/248806 chromosomes in the general population by the Genome Aggregation Database (gnomAD). The available evidence is insufficient to determine the role of this variant in disease conclusively. Therefore, this variant is classified as a Variant of Uncertain Significance.

This study involves interpretation of variants in research participants for the purpose of population health screening. Participant phenotype was not available at the time of variant classification. Additional details can be found in publication PMID: 35346344, PMCID: PMC8962531